The following is an entry in ClinVar:

ClinVar aggregate classification (germline): Uncertain significance (1 of 4 stars; one submission).

Submission:

GeneDx
Classification: Uncertain significance. Last evaluated: 2022-10-21. Review status: criteria provided, single submitter. Criteria: GeneDx Variant Classification Process June 2021. Collection method: clinical testing. Allele origin: germline. Affected: yes.
Comment: Not observed at significant frequency in large population cohorts (gnomAD); In silico analysis supports that this missense variant has a deleterious effect on protein structure/function; Has not been previously published as pathogenic or benign to our knowledge

NM_170606.3(KMT2C):c.3745G>A (p.Glu1249Lys)

Gene: KMT2C (lysine methyltransferase 2C; minus strand). Cytogenetic location: 7q36.1.
Variant type: single nucleotide variant.
Coding change: c.3745G>A on transcript NM_170606.3 (MANE Select); coding-DNA position 3745, G replaced by A.
Protein change: p.Glu1249Lys; replaces glutamic acid 1249 with lysine.
Molecular consequence: missense variant.
Genome position (GRCh38, 1-based): chr7:152,207,396, C>T on the plus strand (G>A on the coding strand, the complement: KMT2C is on the minus strand). VCF-style: chr7-152207396-C-T. GRCh37 (hg19) VCF-style: chr7-151904481-C-T.
Other names: short protein forms E1249K.
Identifiers: ClinVar variation 2499750 (VCV002499750.1), dbSNP rs2129138593, ClinGen allele CA370108592.